The following is an entry in ClinVar:

NM_000049.4(ASPA):c.283G>T (p.Glu95Ter)

Genes: SPATA22 (spermatogenesis associated 22; minus strand), ASPA (aspartoacylase; plus strand). Cytogenetic location: 17p13.2.
Variant type: single nucleotide variant.
Coding change: c.283G>T on transcript NM_000049.4 (MANE Select); coding-DNA position 283, G replaced by T.
Protein change: p.Glu95Ter; replaces glutamic acid 95 with a stop codon.
Molecular consequence: nonsense. On other transcripts: intron variant (2).
Genome position (GRCh38, 1-based): chr17:3,481,649, G>T. VCF-style: chr17-3481649-G-T. GRCh37 (hg19) VCF-style: chr17-3384943-G-T.
Other names: c.283G>T (NM_000049.2); c.283G>T, p.Glu95Ter (NM_001128085.1); c.-73-12251C>A (NM_001321336.2, NM_001321337.2); short protein forms E95*.
Identifiers: ClinVar variation 1965753 (VCV001965753.6), dbSNP rs2543619356, ClinGen allele CA397682149.

ClinVar aggregate classification (germline): Pathogenic/Likely pathogenic. Review status: criteria provided, multiple submitters, no conflicts (2 of 4 stars). 3 submissions from 3 submitters: Pathogenic (1); Likely pathogenic (2). Last evaluated 2025-10-29.

Conditions:
Spongy degeneration of central nervous system. Also called: ACY2 DEFICIENCY; AMINOACYLASE 2 DEFICIENCY; ASP DEFICIENCY; ASPA DEFICIENCY; ASPARTOACYLASE DEFICIENCY; CANAVAN-VAN BOGAERT-BERTRAND DISEASE. Identifiers: Orphanet 141, MedGen C0206307, MONDO:0010079, OMIM 271900.

Submissions (3):

Natera, Inc.
Classification: Likely pathogenic for Canavan Disease. Last evaluated: 2025-10-29. Review status: criteria provided, single submitter. Criteria: Natera Variant Classification Schema (03/2026). Collection method: clinical testing. Allele origin: germline.
Comment: The c.283G>T variant in ASPA is a nonsense variant predicted to introduce a stop codon at amino acid 95. This variant is expected to result in nonsense mediated decay, truncation, or a dysfunctional protein product. This variant is rare in the general population with a frequency below the threshold expected for the associated phenotype(s). Given the available evidence, this variant is classified as Likely Pathogenic.

Baylor Genetics
Classification: Likely pathogenic for Spongy degeneration of central nervous system. Last evaluated: 2023-07-25. Review status: criteria provided, single submitter. Criteria: ACMG Guidelines, 2015. Collection method: clinical testing. Allele origin: unknown.

Labcorp Genetics (formerly Invitae), Labcorp
Classification: Pathogenic for Spongy degeneration of central nervous system. Last evaluated: 2022-05-29. Review status: criteria provided, single submitter. Criteria: Invitae Variant Classification Sherloc (09022015). Collection method: clinical testing. Allele origin: germline.
Comment: For these reasons, this variant has been classified as Pathogenic. Algorithms developed to predict the effect of sequence changes on RNA splicing suggest that this variant may disrupt the consensus splice site. This variant has not been reported in the literature in individuals affected with ASPA-related conditions. This variant is not present in population databases (gnomAD no frequency). This sequence change creates a premature translational stop signal (p.Glu95*) in the ASPA gene. It is expected to result in an absent or disrupted protein product. Loss-of-function variants in ASPA are known to be pathogenic (PMID: 12638939).

Literature cited by the submitters: PubMed 12638939 (cited by Labcorp Genetics (formerly Invitae), Labcorp).